The following is an entry in ClinVar:

ClinVar aggregate classification (germline): Likely pathogenic (1 of 4 stars; one submission).

gnomAD v4.1: 5 of 1,611,442 alleles (0.00031%); highest among the groups gnomAD compares: African/African-American, 0.0054%; no homozygotes.

Submission:

Labcorp Genetics (formerly Invitae), Labcorp
Classification: Likely pathogenic. Last evaluated: 2025-12-26. Review status: criteria provided, single submitter. Criteria: Invitae Variant Classification Sherloc (09022015). Collection method: clinical testing. Allele origin: germline.
Comment: This sequence change affects an acceptor splice site in intron 9 of the TSPEAR gene. It is expected to disrupt RNA splicing. Variants that disrupt the donor or acceptor splice site typically lead to a loss of protein function (PMID: 16199547), and loss-of-function variants in TSPEAR are known to be pathogenic (PMID: 34042254). This variant is present in population databases (rs143406695, gnomAD 0.0009%). This variant has not been reported in the literature in individuals affected with TSPEAR-related conditions. Algorithms developed to predict the effect of sequence changes on RNA splicing suggest that this variant may disrupt the consensus splice site. In summary, the currently available evidence indicates that the variant is pathogenic, but additional data are needed to prove that conclusively. Therefore, this variant has been classified as Likely Pathogenic.

Literature cited by the submitters: PubMed 16199547; PubMed 34042254.

NM_144991.3(TSPEAR):c.1567-1G>A

Genes: TSPEAR (thrombospondin type laminin G domain and EAR repeats; minus strand), TSPEAR-AS1 (TSPEAR antisense RNA 1; plus strand), LOC126653398 (CDK7 strongly-dependent group 2 enhancer GRCh37_chr21:45928270-45929469; plus strand). Cytogenetic location: 21q22.3.
Variant type: single nucleotide variant.
Coding change: c.1567-1G>A on transcript NM_144991.3 (MANE Select); the canonical splice acceptor site of the intron before coding-DNA position 1567, G replaced by A.
Molecular consequence: splice acceptor variant. On other transcripts: non-coding transcript variant (1).
Genome position (GRCh38, 1-based): chr21:44,509,387, C>T on the plus strand (G>A on the coding strand, the complement: TSPEAR is on the minus strand). VCF-style: chr21-44509387-C-T. GRCh37 (hg19) VCF-style: chr21-45929270-C-T.
Other names: c.1363-1G>A (NM_001272037.2).
Identifiers: ClinVar variation 4692351 (VCV004692351.1).